The following is an entry in ClinVar:

ClinVar aggregate classification (germline): Pathogenic/Likely pathogenic. Review status: criteria provided, multiple submitters, no conflicts (2 of 4 stars). 13 submissions from 13 submitters: Pathogenic (3); Likely pathogenic (6). 4 of the submissions do not count toward it. Last evaluated 2025-12-29.

Conditions:
Tumor predisposition syndrome 3 (TPDS3). Also called: Glioma susceptibility 9; Melanoma, cutaneous malignant, susceptibility to, 10; LONG TELOMERE SYNDROME, POT1-RELATED; POT1 Tumor Predisposition. Identifiers: Orphanet 618, MedGen C4014476, MONDO:0014368, OMIM 615848.
Melanoma, cutaneous malignant, susceptibility to, 1 (CMM1). Also called: B-K MOLE SYNDROME; MELANOMA, MALIGNANT; DYSPLASTIC NEVUS SYNDROME, HEREDITARY; FAMILIAL ATYPICAL MOLE-MALIGNANT MELANOMA SYNDROME. Identifiers: Orphanet 618, MedGen C1835047, MONDO:0007963, OMIM 155600.
POT1-related disorder. Also called: POT1-related condition.
Long telomere syndrome.
Hereditary cancer-predisposing syndrome. Also called: Hereditary neoplastic syndrome; Tumor predisposition; Neoplastic Syndromes, Hereditary; Hereditary Cancer Syndrome. Identifiers: Orphanet 140162, MedGen C0027672, MeSH D009386, MONDO:0015356.

Allele frequency attached by ClinVar (database versions not stated): gnomAD 0.00001; gnomAD exomes 0.00002; TOPMed 0.00002.
gnomAD v4.1: 14 of 1,607,628 alleles (0.00087%); highest among the groups gnomAD compares: Non-Finnish European, 0.00034%; no homozygotes.

Submissions (13):

Center for Genomic Medicine, Rigshospitalet, Copenhagen University Hospital
Classification: Likely pathogenic. Last evaluated: 2025-12-29. Review status: criteria provided, single submitter. Criteria: ACMG Guidelines, 2015. Collection method: clinical testing. Allele origin: germline.
Comment: Classification criteria: PS3, PP1_Moderate, PM2_supporting, PP3

Labcorp Genetics (formerly Invitae), Labcorp
Classification: Likely pathogenic for Tumor predisposition syndrome 3. Last evaluated: 2025-12-24. Review status: criteria provided, single submitter. Criteria: Invitae Variant Classification Sherloc (09022015). Collection method: clinical testing. Allele origin: germline.
Comment: This sequence change replaces isoleucine, which is neutral and non-polar, with threonine, which is neutral and polar, at codon 78 of the POT1 protein (p.Ile78Thr). This variant is present in population databases (no rsID available, gnomAD 0.03%). This missense change has been observed in individuals with clinical features consistent with POT1-related conditions (PMID: 24686846, 30586141, 34193977, 37466057, 38540414, 38839987; internal data). It has also been observed to segregate with disease in related individuals. ClinVar contains an entry for this variant (Variation ID: 475073). Invitae Evidence Modeling of protein sequence and biophysical properties (such as structural, functional, and spatial information, amino acid conservation, physicochemical variation, residue mobility, and thermodynamic stability) indicates that this missense variant is not expected to disrupt POT1 protein function with a negative predictive value of 80%. Experimental studies have shown that this missense change affects POT1 function (PMID: 30586141). In summary, the currently available evidence indicates that the variant is pathogenic, but additional data are needed to prove that conclusively. Therefore, this variant has been classified as Likely Pathogenic.

Institute for Genomic Medicine (IGM) Clinical Laboratory, Nationwide Children's Hospital
Classification: Likely pathogenic for Tumor predisposition syndrome 3. Last evaluated: 2025-09-30. Review status: criteria provided, single submitter. Criteria: ACMG Guidelines, 2015. Collection method: clinical testing. Allele origin: germline.
Comment: Well-established functional studies have demonstrated this variant to have a damaging effect on protein function or splicing (ACMG/AMP: PS3_Supporting; PMIDs:30586141, 37140166). This variant has been reported at an elevated frequency in affected individuals/in multiple affected individuals in the literature (ACMG/AMP: PS4; PMIDs:24686846, 30451293, 30586141, 34193977, 36876055, 37140166, 37466057, 38540414). This variant is absent from or present at an exceedingly low frequency in gnomAD, a large-scale control population database (ACMG/AMP: PM2).

CeGaT Center for Human Genetics Tuebingen
Classification: Likely pathogenic. Last evaluated: 2025-08-01. Review status: criteria provided, single submitter. Criteria: CeGaT Center For Human Genetics Tuebingen Variant Classification Criteria Version 2. Collection method: clinical testing. Allele origin: germline. Affected: yes. Observed: 1 variant allele.
Comment: POT1: PM2, PS3:Moderate, PS4:Moderate

Blueprint Genetics
Classification: Likely pathogenic for POT1-related disorders. Last evaluated: 2024-08-21. Review status: criteria provided, single submitter. Criteria: ACMG Guidelines, 2015. Collection method: clinical testing. Allele origin: germline. Affected: yes. Observed: 4 variant alleles.

Ambry Genetics
Classification: Pathogenic for Hereditary cancer-predisposing syndrome. Last evaluated: 2024-07-06. Review status: criteria provided, single submitter. Criteria: Ambry Variant Classification Scheme 2023. Collection method: clinical testing. Allele origin: germline.
Comment: The p.I78T variant (also known as c.233T>C), located in coding exon 3 of the POT1 gene, results from a T to C substitution at nucleotide position 233. The isoleucine at codon 78 is replaced by threonine, an amino acid with similar properties. This alteration has been observed in multiple individuals with a personal and/or family history that is consistent with POT1-related disease (Wong K et al. JAMA Dermatol, 2019 05;155:604-609; Potrony M et al. Br J Dermatol, 2019 07;181:105-113; Goldstein AM et al. JAAD Int, 2023 Jun;11:43-51; Shi J et al. Nat. Genet. 2014 May;46:482-6; DeBoy EA et al. N Engl J Med, 2023 May; Abu Shtaya A et al. Genes (Basel), 2024 Mar;15; Ambry internal data). However, this variant has also been identified in individuals without melanoma or other POT1 related tumors (Ambry internal data). This alteration was also identified in an individual diagnosed with CML and a second individual diagnosed with CLL (Lim TL et al. Leukemia, 2022 01;36:283-287). Haplotype analysis performed in unrelated carriers of p.I78T identified a common haplotype, suggestive of a founder event (Wong K et al. JAMA Dermatol, 2019 05;155:604-609). Multiple in vitro functional studies indicated that the p.I78T variant was unable to bind telomeres compared to wild type, resulting in elongated telomeres following ectopic expression (Wong K et al. JAMA Dermatol, 2019 05;155:604-609; DeBoy EA et al. N Engl J Med, 2023 May). Direct measurements from patient cells also showed longer telomeres as compared to controls (DeBoy EA et al. N Engl J Med, 2023 May). This amino acid position is highly conserved in available vertebrate species. In addition, this alteration is predicted to be deleterious by in silico analysis. Based on the supporting evidence, this variant is interpreted as a disease-causing mutation.

Department of Pathology and Laboratory Medicine, Sinai Health System
Classification: Pathogenic for Tumor predisposition syndrome 3. Last evaluated: 2024-05-21. Review status: criteria provided, single submitter. Criteria: ACMG Guidelines, 2015. Collection method: clinical testing. Allele origin: germline. Affected: yes.

Quest Diagnostics Nichols Institute San Juan Capistrano
Classification: Likely pathogenic. Last evaluated: 2023-12-15. Review status: criteria provided, single submitter. Criteria: Quest Diagnostics criteria. Collection method: clinical testing. Allele origin: unknown.
Comment: The POT1 c.233T>C (p.Ile78Thr) variant has been reported in the published literature in individuals with melanoma (PMID: 37140166 (2023), 36876055 (2023), 30586141 (2019), 30451293 (2019), 24686846 (2014)). This variant has also been identified in an individual with chronic lymphocytic leukemia (PMID: 34193977 (2021)). In addition, this variant has been shown to have a deleterious effect on POT1 protein function (PMID: 37140166 (2023), 30586141 (2019)). The frequency of this variant in the general population, 0.000016 (4/246852 chromosomes (Genome Aggregation Database)), is uninformative in the assessment of its pathogenicity. Analysis of this variant using bioinformatics tools for the prediction of the effect of amino acid changes on protein structure and function yielded predictions that this variant is damaging. Based on the available information, this variant is classified as likely pathogenic.

GeneDx
Classification: Pathogenic. Last evaluated: 2023-12-08. Review status: criteria provided, single submitter. Criteria: GeneDx Variant Classification Process June 2021. Collection method: clinical testing. Allele origin: germline. Affected: yes.
Comment: Observed in individuals with multiple primary melanomas and/or with familial melanoma; however, several unaffected carriers were also identified (PMID: 24686846, 30451293, 37140166, 36876055); Observed in individuals with lymphoid or myeloid malignancies, as well as individuals with thyroid cancer (PMID: 34193977, 37140166); Published functional studies demonstrate a damaging effect: disrupted telomere binding and telomere elongation (PMID: 37140166, 30586141); Not observed at significant frequency in large population cohorts (gnomAD); In silico analysis supports that this missense variant has a deleterious effect on protein structure/function; This variant is associated with the following publications: (PMID: 24686846, 30451293, 32015491, 31259407, Offin_2020_Abstract, 32155570, 34648949, 32172474, 32987645, 34193977, 36624550, 28393830, 36876055, 37140166, 30586141)

OMIM
Classification: Pathogenic for TUMOR PREDISPOSITION SYNDROME 3. Last evaluated: 2023-09-26. Review status: no assertion criteria provided. Collection method: literature only. Allele origin: unknown. Not counted in ClinVar's aggregate classification.

The Telomere Center at Johns Hopkins, Johns Hopkins University School of Medicine
Classification: Pathogenic for Long telomere syndrome. Last evaluated: 2022-08-01. Review status: no assertion criteria provided. Collection method: clinical testing. Allele origin: germline. Affected: yes. Not counted in ClinVar's aggregate classification.

Center of Human Genetics, Hôpital Erasme
Classification: Likely pathogenic for Tumor predisposition syndrome 3. Review status: no assertion criteria provided. Collection method: clinical testing. Allele origin: germline. Affected: yes. Not counted in ClinVar's aggregate classification.
Comment: The variant is rare in gnomADv4 (14/1607628 alleles ; frequency : 0.00087%). Isoleucine 78 is an amino acid that seems very conserved in evolution except in zebrafish. The variant has been reported in an individual with multiple primary melanomas (PMID: 24686846), in several families with melanoma (PMID: 30586141_2018) and in an individual with 2 melanomas and thyroid cancer (PMID: 30451293_2019). This variant is located in the DNA binding domain of POT1 and was recently shown to impair the ability of POT1 to bind to telomeres (PMID:30586141_2018). The patient's phenotype and family history are compatible with the pathology associated with POT1 gene.

Genetic Services Laboratory, University of Chicago
Classification: Uncertain significance. Last evaluated: 2018-03-29. Review status: flagged submission. Criteria: ACMG Guidelines, 2015. Collection method: clinical testing. Allele origin: germline. Affected: no. Not counted in ClinVar's aggregate classification.
ClinVar note: Reason: Older and outlier claim with insufficient supporting evidence

Literature cited by the submitters: PubMed 38540414 (cited by 4 submitters); PubMed 30586141 (cited by 8 submitters); PubMed 37140166 (cited by 6 submitters); PubMed 24686846 (cited by 6 submitters); PubMed 34193977 (cited by 4 submitters); PubMed 37466057 (cited by Labcorp Genetics (formerly Invitae), Labcorp and Institute for Genomic Medicine (IGM) Clinical Laboratory, Nationwide Children's Hospital); PubMed 38839987 (cited by Labcorp Genetics (formerly Invitae), Labcorp); PubMed 30451293 (cited by 5 submitters); PubMed 36876055 (cited by 3 submitters).

NM_015450.3(POT1):c.233T>C (p.Ile78Thr)

Gene: POT1 (protection of telomeres 1; minus strand). Cytogenetic location: 7q31.33.
Variant type: single nucleotide variant.
Coding change: c.233T>C on transcript NM_015450.3 (MANE Select); coding-DNA position 233, T replaced by C.
Protein change: p.Ile78Thr; replaces isoleucine 78 with threonine.
Molecular consequence: missense variant. On other transcripts: non-coding transcript variant (3), intron variant (1).
Genome position (GRCh38, 1-based): chr7:124,870,933, A>G on the plus strand (T>C on the coding strand, the complement: POT1 is on the minus strand). VCF-style: chr7-124870933-A-G. GRCh37 (hg19) VCF-style: chr7-124510987-A-G.
Other names: c.-138-7293T>C (NM_001042594.2); short protein forms I78T.
Identifiers: ClinVar variation 475073 (VCV000475073.62), dbSNP rs947005337, ClinGen allele CA166079829.